The following is an entry in ClinVar:

ClinVar aggregate classification (germline): Pathogenic (1 of 4 stars; one submission).

Conditions:
Neurofibromatosis, type 1 (NF1). Also called: Neurofibromatosis, type I; NEUROFIBROMATOSIS, TYPE I, SOMATIC; Peripheral type neurofibromatosis; VON RECKLINGHAUSEN DISEASE. Identifiers: Orphanet 636, MedGen C0027831, MONDO:0018975, OMIM 162200. Disease mechanism: loss of function.

Submissions (2):

Labcorp Genetics (formerly Invitae), Labcorp
Classification: Pathogenic for Neurofibromatosis, type 1. Last evaluated: 2023-05-13. Review status: criteria provided, single submitter. Criteria: Invitae Variant Classification Sherloc (09022015). Collection method: clinical testing. Allele origin: germline.
Comment: This sequence change affects an acceptor splice site in intron 28 of the NF1 gene. It is expected to disrupt RNA splicing. Variants that disrupt the donor or acceptor splice site typically lead to a loss of protein function (PMID: 16199547), and loss-of-function variants in NF1 are known to be pathogenic (PMID: 10712197, 23913538). This variant is not present in population databases (gnomAD no frequency). Disruption of this splice site has been observed in individual(s) with neurofibromatosis type 1 (PMID: 29618358). Algorithms developed to predict the effect of sequence changes on RNA splicing suggest that this variant may disrupt the consensus splice site. For these reasons, this variant has been classified as Pathogenic.

Dr. Peter K. Rogan Lab, Western University
No classification provided (evidence only). Condition: Papillary renal cell carcinoma type 1. Review status: no classification provided. Collection method: in vitro. Allele origin: not applicable. Functional consequence: retained intron. Not counted in ClinVar's aggregate classification.

Literature cited by the submitters: PubMed 16199547 (cited by Labcorp Genetics (formerly Invitae), Labcorp); PubMed 10712197 (cited by Labcorp Genetics (formerly Invitae), Labcorp); PubMed 23913538 (cited by Labcorp Genetics (formerly Invitae), Labcorp); PubMed 29618358 (cited by Labcorp Genetics (formerly Invitae), Labcorp).

NM_001042492.3(NF1):c.3871-1G>T

Gene: NF1 (neurofibromin 1; plus strand). Cytogenetic location: 17q11.2.
Variant type: single nucleotide variant.
Coding change: c.3871-1G>T on transcript NM_001042492.3 (MANE Select); the canonical splice acceptor site of the intron before coding-DNA position 3871, G replaced by T.
Molecular consequence: splice acceptor variant.
Genome position (GRCh38, 1-based): chr17:31,235,917, G>T. VCF-style: chr17-31235917-G-T. GRCh37 (hg19) VCF-style: chr17-29562935-G-T.
Other names: c.3871-1G>T (NM_000267.4).
Identifiers: ClinVar variation 2910420 (VCV002910420.4), dbSNP rs1567852753, ClinGen allele CA398992980.